The following is an entry in ClinVar:

NM_001364905.1(LRBA):c.134G>A (p.Arg45Lys)

Gene: LRBA (LPS responsive beige-like anchor protein; minus strand). Cytogenetic location: 4q31.3.
Variant type: single nucleotide variant.
Coding change: c.134G>A on transcript NM_001364905.1 (MANE Select); coding-DNA position 134, G replaced by A.
Protein change: p.Arg45Lys; replaces arginine 45 with lysine.
Molecular consequence: missense variant.
Genome position (GRCh38, 1-based): chr4:151,014,509, C>T on the plus strand (G>A on the coding strand, the complement: LRBA is on the minus strand). VCF-style: chr4-151014509-C-T. GRCh37 (hg19) VCF-style: chr4-151935661-C-T.
Other names: c.134G>A, p.Arg45Lys (NM_001199282.3, NM_001367550.1, NM_006726.5); short protein forms R45K.
Identifiers: ClinVar variation 1015914 (VCV001015914.10), dbSNP rs1745213497, ClinGen allele CA358610898.

ClinVar aggregate classification (germline): Uncertain significance (1 of 4 stars; one submission).

Conditions:
Combined immunodeficiency due to LRBA deficiency. Also called: Common variable immunodeficiency 8, with autoimmunity. Identifiers: Orphanet 445018, MedGen C3553512, MONDO:0013863, OMIM 614700.

Allele frequency attached by ClinVar (database versions not stated): gnomAD exomes below 0.00001.
gnomAD v4.1: 2 of 1,614,202 alleles (0.00012%); highest among the groups gnomAD compares: Non-Finnish European, 0.00017%; no homozygotes.

Submission:

Labcorp Genetics (formerly Invitae), Labcorp
Classification: Uncertain significance for Combined immunodeficiency due to LRBA deficiency. Last evaluated: 2022-08-16. Review status: criteria provided, single submitter. Criteria: Invitae Variant Classification Sherloc (09022015). Collection method: clinical testing. Allele origin: germline.
Comment: This sequence change replaces arginine, which is basic and polar, with lysine, which is basic and polar, at codon 45 of the LRBA protein (p.Arg45Lys). This variant is not present in population databases (gnomAD no frequency). This variant has not been reported in the literature in individuals affected with LRBA-related conditions. ClinVar contains an entry for this variant (Variation ID: 1015914). Algorithms developed to predict the effect of missense changes on protein structure and function are either unavailable or do not agree on the potential impact of this missense change (SIFT: "Tolerated"; PolyPhen-2: "Probably Damaging"; Align-GVGD: "Class C0"). In summary, the available evidence is currently insufficient to determine the role of this variant in disease. Therefore, it has been classified as a Variant of Uncertain Significance.